The following is an entry in ClinVar:

NM_005228.5(EGFR):c.1428C>T (p.Asn476=)

Gene: EGFR (epidermal growth factor receptor; plus strand). Cytogenetic location: 7p11.2.
Variant type: single nucleotide variant.
Coding change: c.1428C>T on transcript NM_005228.5 (MANE Select); coding-DNA position 1428, C replaced by T.
Protein change: p.Asn476=; no amino-acid change (asparagine 476 retained).
Molecular consequence: synonymous variant.
Genome position (GRCh38, 1-based): chr7:55,160,268, C>T. VCF-style: chr7-55160268-C-T. GRCh37 (hg19) VCF-style: chr7-55227961-C-T.
Other names: c.1293C>T, p.Asn431= (NM_001346897.2, NM_001346899.2); c.1428C>T, p.Asn476= (NM_001346898.2, NM_201282.2, NM_201284.2); c.1269C>T, p.Asn423= (NM_001346900.2); c.627C>T, p.Asn209= (NM_001346941.2).
Identifiers: ClinVar variation 4826838 (VCV004826838.2).

ClinVar aggregate classification (germline): Likely benign. Review status: criteria provided, multiple submitters, no conflicts (2 of 4 stars). 2 submissions from 2 submitters: Likely benign (2). Last evaluated 2026-08-01.

Conditions:
Hereditary cancer-predisposing syndrome. Also called: Neoplastic Syndromes, Hereditary; Hereditary neoplastic syndrome; Tumor predisposition; Hereditary Cancer Syndrome. Identifiers: Orphanet 140162, MedGen C0027672, MeSH D009386, MONDO:0015356.

Submissions (2):

CeGaT Center for Human Genetics Tuebingen
Classification: Likely benign. Last evaluated: 2026-08-01. Review status: criteria provided, single submitter. Criteria: CeGaT Center For Human Genetics Tuebingen Variant Classification Criteria Version 2. Collection method: clinical testing. Allele origin: germline. Affected: yes. Observed: 1 variant allele.
Comment: EGFR: PM2:Supporting, BP4, BP7

Ambry Genetics
Classification: Likely benign for Hereditary cancer-predisposing syndrome. Last evaluated: 2026-02-26. Review status: criteria provided, single submitter. Criteria: Ambry Variant Classification Scheme 2023. Collection method: clinical testing. Allele origin: germline.